The following is an entry in ClinVar:

NM_002471.4(MYH6):c.3027G>A (p.Leu1009=)

Gene: MYH6 (myosin heavy chain 6; minus strand). Cytogenetic location: 14q11.2.
Variant type: single nucleotide variant.
Coding change: c.3027G>A on transcript NM_002471.4 (MANE Select); coding-DNA position 3027, G replaced by A.
Protein change: p.Leu1009=; no amino-acid change (leucine 1009 retained).
Molecular consequence: synonymous variant.
Genome position (GRCh38, 1-based): chr14:23,393,420, C>T on the plus strand (G>A on the coding strand, the complement: MYH6 is on the minus strand). VCF-style: chr14-23393420-C-T. GRCh37 (hg19) VCF-style: chr14-23862629-C-T.
Identifiers: ClinVar variation 671638 (VCV000671638.1), dbSNP rs905611880, ClinGen allele CA257786709.

ClinVar aggregate classification (germline): Likely benign (1 of 4 stars; one submission).

Submission:

GeneDx
Classification: Likely benign. Last evaluated: 2018-06-11. Review status: criteria provided, single submitter. Criteria: GeneDx Variant Classification (06012015). Collection method: clinical testing. Allele origin: germline. Affected: yes.
Comment: This variant is considered likely benign or benign based on one or more of the following criteria: it is a conservative change, it occurs at a poorly conserved position in the protein, it is predicted to be benign by multiple in silico algorithms, and/or has population frequency not consistent with disease.